The following is an entry in ClinVar:

NM_001009944.3(PKD1):c.3409G>A (p.Val1137Ile)

Gene: PKD1 (polycystin 1, transient receptor potential channel interacting; minus strand). Cytogenetic location: 16p13.3.
Variant type: single nucleotide variant.
Coding change: c.3409G>A on transcript NM_001009944.3 (MANE Select); coding-DNA position 3409, G replaced by A.
Protein change: p.Val1137Ile; replaces valine 1137 with isoleucine.
Molecular consequence: missense variant.
Genome position (GRCh38, 1-based): chr16:2,111,758, C>T on the plus strand (G>A on the coding strand, the complement: PKD1 is on the minus strand). VCF-style: chr16-2111758-C-T. GRCh37 (hg19) VCF-style: chr16-2161759-C-T.
Other names: c.3409G>A, p.Val1137Ile (NM_000296.4); short protein forms V1137I.
Identifiers: ClinVar variation 2628795 (VCV002628795.2), dbSNP rs375354209, ClinGen allele CA7832778.

ClinVar aggregate classification (germline): Uncertain significance (1 of 4 stars; one submission).

Conditions:
PKD1-related disorder. Also called: PKD1-related condition.

Allele frequency attached by ClinVar (database versions not stated): ExAC 0.00006; ESP Exome Variant Server 0.00008; gnomAD 0.00009; TOPMed 0.00012; 1000 Genomes Project 30x 0.00031.
gnomAD v4.1: 36 of 1,604,062 alleles (0.0022%); highest among the groups gnomAD compares: African/African-American, 0.031%; no homozygotes.

Submission:

PreventionGenetics, part of Exact Sciences
Classification: Uncertain significance for PKD1-related condition. Last evaluated: 2026-09-25. Review status: criteria provided, single submitter. Criteria: ACMG Guidelines, 2015. Collection method: clinical testing. Allele origin: germline.
Comment: The PKD1 c.3409G>A variant is predicted to result in the amino acid substitution p.Val1137Ile. To our knowledge, this variant has not been reported in the literature. This variant is reported in 0.035% of alleles in individuals of African descent in gnomAD. Although we suspect that this variant may be benign, at this time, the clinical significance of this variant is uncertain due to the absence of conclusive functional and genetic evidence.